The following is an entry in ClinVar:

ClinVar aggregate classification (germline): Conflicting classifications of pathogenicity. Review status: criteria provided, conflicting classifications (1 of 4 stars). 4 submissions from 4 submitters: Uncertain significance (3); Likely benign (1). Last evaluated 2026-01-11.

Conditions:
Hereditary cancer-predisposing syndrome. Also called: Tumor predisposition; Hereditary neoplastic syndrome; Neoplastic Syndromes, Hereditary; Hereditary Cancer Syndrome. Identifiers: Orphanet 140162, MedGen C0027672, MeSH D009386, MONDO:0015356.
Colorectal cancer. Also called: Colorectal cancer, somatic; Malignant Colorectal Neoplasm. Identifiers: MedGen C0346629, MONDO:0005575, OMIM 114500.

Allele frequency attached by ClinVar (database versions not stated): gnomAD exomes below 0.00001 and 0.00001; TOPMed below 0.00001; ExAC 0.00001; gnomAD 0.00001.
gnomAD v4.1: 14 of 1,614,126 alleles (0.00087%); highest among the groups gnomAD compares: Non-Finnish European, 0.0011%; no homozygotes.

Submissions (4):

Labcorp Genetics (formerly Invitae), Labcorp
Classification: Uncertain significance. Last evaluated: 2026-01-11. Review status: criteria provided, single submitter. Criteria: Invitae Variant Classification Sherloc (09022015). Collection method: clinical testing. Allele origin: germline.
Comment: This sequence change replaces lysine, which is basic and polar, with asparagine, which is neutral and polar, at codon 738 of the POLE protein (p.Lys738Asn). This variant is present in population databases (rs749305408, gnomAD 0.01%). This variant has not been reported in the literature in individuals affected with POLE-related conditions. ClinVar contains an entry for this variant (Variation ID: 226044). Invitae Evidence Modeling of protein sequence and biophysical properties (such as structural, functional, and spatial information, amino acid conservation, physicochemical variation, residue mobility, and thermodynamic stability) indicates that this missense variant is not expected to disrupt POLE protein function with a negative predictive value of 80%. In summary, the available evidence is currently insufficient to determine the role of this variant in disease. Therefore, it has been classified as a Variant of Uncertain Significance.

Ambry Genetics
Classification: Likely benign for Hereditary cancer-predisposing syndrome. Last evaluated: 2025-04-04. Review status: criteria provided, single submitter. Criteria: Ambry Variant Classification Scheme 2023. Collection method: clinical testing. Allele origin: germline.

Women's Health and Genetics/Laboratory Corporation of America, LabCorp
Classification: Uncertain significance. Last evaluated: 2022-07-14. Review status: criteria provided, single submitter. Criteria: LabCorp Variant Classification Summary - May 2015. Collection method: clinical testing. Allele origin: germline.
Comment: Variant summary: POLE c.2214G>C (p.Lys738Asn) results in a non-conservative amino acid change located in the DNA-directed DNA polymerase, family B, multifunctional domain (IPR006134) of the encoded protein sequence. Three of five in-silico tools predict a benign effect of the variant on protein function. The variant allele was found at a frequency of 4e-06 in 251484 control chromosomes. The available data on variant occurrences in the general population are insufficient to allow any conclusion about variant significance. To our knowledge, no occurrence of c.2214G>C in individuals affected with Colorectal Cancer and no experimental evidence demonstrating its impact on protein function have been reported. Two clinical diagnostic laboratories have submitted clinical-significance assessments for this variant to ClinVar after 2014 without evidence for independent evaluation. All laboratories classified the variant as uncertain significance. Based on the evidence outlined above, the variant was classified as uncertain significance.

CSER _CC_NCGL, University of Washington
Classification: Uncertain significance for Colorectal cancer. Last evaluated: 2015-03-11. Review status: criteria provided, single submitter. Criteria: Amendola et al. (Genome Res. 2015). Collection method: research. Allele origin: germline. Inheritance: Autosomal dominant inheritance. Study: CSER - NEXT Medicine variant annotation.

NM_006231.4(POLE):c.2214G>C (p.Lys738Asn)

Gene: POLE (DNA polymerase epsilon, catalytic subunit; minus strand). Cytogenetic location: 12q24.33.
Variant type: single nucleotide variant.
Coding change: c.2214G>C on transcript NM_006231.4 (MANE Select); coding-DNA position 2214, G replaced by C.
Protein change: p.Lys738Asn; replaces lysine 738 with asparagine.
Molecular consequence: missense variant.
Genome position (GRCh38, 1-based): chr12:132,667,608, C>G on the plus strand (G>C on the coding strand, the complement: POLE is on the minus strand). VCF-style: chr12-132667608-C-G. GRCh37 (hg19) VCF-style: chr12-133244194-C-G.
Other names: short protein forms K738N.
Identifiers: ClinVar variation 226044 (VCV000226044.12), dbSNP rs749305408, ClinGen allele CA090888.